The following is an entry in ClinVar:

NM_001363711.2(DUOX2):c.1832T>C (p.Val611Ala)

Gene: DUOX2 (dual oxidase 2; minus strand). Cytogenetic location: 15q21.1.
Variant type: single nucleotide variant.
Coding change: c.1832T>C on transcript NM_001363711.2 (MANE Select); coding-DNA position 1832, T replaced by C.
Protein change: p.Val611Ala; replaces valine 611 with alanine.
Molecular consequence: missense variant.
Genome position (GRCh38, 1-based): chr15:45,106,641, A>G on the plus strand (T>C on the coding strand, the complement: DUOX2 is on the minus strand). VCF-style: chr15-45106641-A-G. GRCh37 (hg19) VCF-style: chr15-45398839-A-G.
Other names: c.1832T>C (NM_014080.4); c.1832T>C, p.Val611Ala (NM_014080.5); short protein forms V611A.
Identifiers: ClinVar variation 1439118 (VCV001439118.5), dbSNP rs952067840, ClinGen allele CA270129888.

ClinVar aggregate classification (germline): Uncertain significance. Review status: criteria provided, multiple submitters, no conflicts (2 of 4 stars). 2 submissions from 2 submitters: Uncertain significance (2). Last evaluated 2025-12-04.

Conditions:
Inborn genetic diseases. Identifiers: MedGen C0950123, MeSH D030342.

Allele frequency attached by ClinVar (database versions not stated): gnomAD exomes below 0.00001; gnomAD 0.00001; TOPMed 0.00001.
gnomAD v4.1: 5 of 1,613,962 alleles (0.00031%); highest among the groups gnomAD compares: Admixed American, 0.0067%; no homozygotes.

Submissions (2):

Ambry Genetics
Classification: Uncertain significance for Inborn genetic diseases. Last evaluated: 2025-12-04. Review status: criteria provided, single submitter. Criteria: Ambry Variant Classification Scheme 2023. Collection method: clinical testing. Allele origin: germline.

Labcorp Genetics (formerly Invitae), Labcorp
Classification: Uncertain significance. Last evaluated: 2025-08-15. Review status: criteria provided, single submitter. Criteria: Invitae Variant Classification Sherloc (09022015). Collection method: clinical testing. Allele origin: germline.
Comment: This sequence change replaces valine, which is neutral and non-polar, with alanine, which is neutral and non-polar, at codon 611 of the DUOX2 protein (p.Val611Ala). This variant is not present in population databases (gnomAD no frequency). This variant has not been reported in the literature in individuals affected with DUOX2-related conditions. ClinVar contains an entry for this variant (Variation ID: 1439118). An algorithm developed to predict the effect of missense changes on protein structure and function outputs the following: PolyPhen-2: "Benign". The alanine amino acid residue is found in multiple mammalian species, which suggests that this missense change does not adversely affect protein function. In summary, the available evidence is currently insufficient to determine the role of this variant in disease. Therefore, it has been classified as a Variant of Uncertain Significance.